The following is an entry in ClinVar:

ClinVar aggregate classification (germline): Likely pathogenic (1 of 4 stars; one submission).

Conditions:
Gastrointestinal stromal tumor. Also called: Gastrointestinal stromal tumor, somatic; Gastrointestinal stroma tumor. Identifiers: Orphanet 44890, MedGen C0238198, MeSH D046152, MONDO:0011719, OMIM 606764, HP:0100723.

Submission:

Labcorp Genetics (formerly Invitae), Labcorp
Classification: Likely pathogenic for Gastrointestinal stromal tumor. Last evaluated: 2019-07-24. Review status: criteria provided, single submitter. Criteria: Invitae Variant Classification Sherloc (09022015). Collection method: clinical testing. Allele origin: unknown.
Comment: In summary, the currently available evidence indicates that the variant is pathogenic, but additional data are needed to prove that conclusively. Therefore, this variant has been classified as Likely Pathogenic. Loss-of-function variants in KIT are known to be pathogenic (PMID: 15194144). This variant has not been reported in the literature in individuals with KIT-related conditions. This variant is a deletion of the genomic region encompassing part of exon 5 (c.840_925+649del) of the KIT gene. It is expected to disrupt RNA splicing and likely results in an absent or disrupted protein product.

Literature cited by the submitters: PubMed 15194144.

NC_000004.11:g.(?_55569966)_(55570700_?)del

Gene: KIT (KIT proto-oncogene, receptor tyrosine kinase; plus strand). Cytogenetic location: 4q12.
Variant type: Deletion.
Identifiers: ClinVar variation 3246593 (VCV003246593.1).